The following is an entry in ClinVar:

NM_004415.4(DSP):c.2042A>G (p.His681Arg)

Gene: DSP (desmoplakin; plus strand). Cytogenetic location: 6p24.3.
Variant type: single nucleotide variant.
Coding change: c.2042A>G on transcript NM_004415.4 (MANE Select); coding-DNA position 2042, A replaced by G.
Protein change: p.His681Arg; replaces histidine 681 with arginine.
Molecular consequence: missense variant.
Genome position (GRCh38, 1-based): chr6:7,571,980, A>G. VCF-style: chr6-7571980-A-G. GRCh37 (hg19) VCF-style: chr6-7572213-A-G.
Other names: c.2042A>G, p.His681Arg (NM_001008844.3, NM_001319034.2); short protein forms H681R.
Identifiers: ClinVar variation 2931012 (VCV002931012.4), dbSNP rs745665963, ClinGen allele CA031447.

ClinVar aggregate classification (germline): Conflicting classifications of pathogenicity. Review status: criteria provided, conflicting classifications (1 of 4 stars). 2 submissions from 2 submitters: Uncertain significance (1); Likely benign (1). Last evaluated 2025-12-12.

Conditions:
Cardiovascular phenotype. Identifiers: MedGen CN230736.
Arrhythmogenic cardiomyopathy with wooly hair and keratoderma. Also called: PALMOPLANTAR KERATODERMA WITH LEFT VENTRICULAR CARDIOMYOPATHY AND WOOLLY HAIR; Carvajal syndrome; Arrhythmogenic cardiomyopathy with woolly hair and keratoderma; Dilated cardiomyopathy with woolly hair and keratoderma. Identifiers: Orphanet 65282, MedGen C1854063, MONDO:0011581, OMIM 605676.
Arrhythmogenic right ventricular dysplasia 8 (ARVD8). Also called: Arrhythmogenic Right Ventricular Dysplasia/Cardiomyopathy 8; ARRHYTHMOGENIC RIGHT VENTRICULAR DYSPLASIA, FAMILIAL, 8; ARRHYTHMOGENIC RIGHT VENTRICULAR CARDIOMYOPATHY 8. Identifiers: MedGen C1843896, MONDO:0011831, OMIM 607450.

Allele frequency attached by ClinVar (database versions not stated): gnomAD exomes below 0.00001; ExAC 0.00001; TOPMed 0.00001.
gnomAD v4.1: 2 of 1,614,220 alleles (0.00012%); highest among the groups gnomAD compares: Middle Eastern, 0.016%; no homozygotes.

Submissions (2):

Ambry Genetics
Classification: Likely benign for Cardiovascular phenotype. Last evaluated: 2025-12-12. Review status: criteria provided, single submitter. Criteria: Ambry Variant Classification Scheme 2023. Collection method: clinical testing. Allele origin: germline.

Labcorp Genetics (formerly Invitae), Labcorp
Classification: Uncertain significance for Arrhythmogenic cardiomyopathy with wooly hair and keratoderma; Arrhythmogenic right ventricular dysplasia 8. Last evaluated: 2023-01-24. Review status: criteria provided, single submitter. Criteria: Invitae Variant Classification Sherloc (09022015). Collection method: clinical testing. Allele origin: germline.
Comment: In summary, the available evidence is currently insufficient to determine the role of this variant in disease. Therefore, it has been classified as a Variant of Uncertain Significance. This sequence change replaces histidine, which is basic and polar, with arginine, which is basic and polar, at codon 681 of the DSP protein (p.His681Arg). This variant is present in population databases (rs745665963, gnomAD 0.0009%). This variant has not been reported in the literature in individuals affected with DSP-related conditions. Algorithms developed to predict the effect of missense changes on protein structure and function (SIFT, PolyPhen-2, Align-GVGD) all suggest that this variant is likely to be tolerated.